The following is an entry in ClinVar:

ClinVar aggregate classification (germline): Likely benign. Review status: criteria provided, multiple submitters, no conflicts (2 of 4 stars). 2 submissions from 2 submitters: Likely benign (2). Last evaluated 2025-09-27.

Conditions:
Catecholaminergic polymorphic ventricular tachycardia 1. Also called: RYR2-Related Catecholaminergic Polymorphic Ventricular Tachycardia; VENTRICULAR TACHYCARDIA, STRESS-INDUCED POLYMORPHIC 1; VENTRICULAR TACHYCARDIA, CATECHOLAMINERGIC POLYMORPHIC, 1, WITH OR WITHOUT ATRIAL DYSFUNCTION AND/OR DILATED CARDIOMYOPATHY. Identifiers: Orphanet 3286, MedGen C1631597, MONDO:0011484, OMIM 604772.

Submissions (2):

Labcorp Genetics (formerly Invitae), Labcorp
Classification: Likely benign for Catecholaminergic polymorphic ventricular tachycardia 1. Last evaluated: 2025-09-27. Review status: criteria provided, single submitter. Criteria: Invitae Variant Classification Sherloc (09022015). Collection method: clinical testing. Allele origin: germline.

GeneDx
Classification: Likely benign. Last evaluated: 2016-07-25. Review status: criteria provided, single submitter. Criteria: GeneDx Variant Classification (06012015). Collection method: clinical testing. Allele origin: germline. Affected: yes.
Comment: This variant is considered likely benign or benign based on one or more of the following criteria: it is a conservative change, it occurs at a poorly conserved position in the protein, it is predicted to be benign by multiple in silico algorithms, and/or has population frequency not consistent with disease.

NM_001035.3(RYR2):c.6441-16_6441-13dup

Gene: RYR2 (ryanodine receptor 2; plus strand). Cytogenetic location: 1q43.
Variant type: Duplication.
Coding change: c.6441-16_6441-13dup on transcript NM_001035.3 (MANE Select); 16 bases into the intron before coding-DNA position 6441 through 13 bases into the intron before coding-DNA position 6441, 4 bases duplicated (CCAT; older notation c.6441-16_6441-13dupCCAT).
Molecular consequence: intron variant.
Genome position (GRCh38, 1-based): chr1:237,631,411-237,631,414, CCAT duplicated; duplicating any 4 consecutive bases within chr1:237,631,410-237,631,414 gives the same sequence; the c. name uses the placement nearest the transcript's 3' end. VCF-style (leftmost placement, unchanged base first): chr1-237631409-G-GTCCA. GRCh37 (hg19) VCF-style: chr1-237794709-G-GTCCA.
Other names: c.6441-16_6441-13dupCCAT (NM_001035.2).
Identifiers: ClinVar variation 421761 (VCV000421761.2), dbSNP rs1230299871, ClinGen allele CA16617103.